The following is an entry in ClinVar:

ClinVar aggregate classification (germline): Uncertain significance (1 of 4 stars; one submission).

Submission:

Labcorp Genetics (formerly Invitae), Labcorp
Classification: Uncertain significance. Last evaluated: 2022-07-19. Review status: criteria provided, single submitter. Criteria: Invitae Variant Classification Sherloc (09022015). Collection method: clinical testing. Allele origin: germline.
Comment: In summary, the available evidence is currently insufficient to determine the role of this variant in disease. Therefore, it has been classified as a Variant of Uncertain Significance. Advanced modeling of protein sequence and biophysical properties (such as structural, functional, and spatial information, amino acid conservation, physicochemical variation, residue mobility, and thermodynamic stability) performed at Invitae indicates that this missense variant is not expected to disrupt GRIN2D protein function. This variant has not been reported in the literature in individuals affected with GRIN2D-related conditions. The frequency data for this variant in the population databases is considered unreliable, as metrics indicate insufficient coverage at this position in the gnomAD database. This sequence change replaces glycine, which is neutral and non-polar, with tryptophan, which is neutral and slightly polar, at codon 1073 of the GRIN2D protein (p.Gly1073Trp).

NM_000836.4(GRIN2D):c.3217G>T (p.Gly1073Trp)

Gene: GRIN2D (glutamate ionotropic receptor NMDA type subunit 2D; plus strand). Cytogenetic location: 19q13.33.
Variant type: single nucleotide variant.
Coding change: c.3217G>T on transcript NM_000836.4 (MANE Select); coding-DNA position 3217, G replaced by T.
Protein change: p.Gly1073Trp; replaces glycine 1073 with tryptophan.
Molecular consequence: missense variant.
Genome position (GRCh38, 1-based): chr19:48,443,143, G>T. VCF-style: chr19-48443143-G-T. GRCh37 (hg19) VCF-style: chr19-48946400-G-T.
Other names: short protein forms G1073W.
Identifiers: ClinVar variation 1716961 (VCV001716961.5), dbSNP rs1267665562, ClinGen allele CA406675126.